The following is an entry in ClinVar:

ClinVar aggregate classification (germline): Pathogenic/Likely pathogenic. Review status: criteria provided, multiple submitters, no conflicts (2 of 4 stars). 2 submissions from 2 submitters: Pathogenic (1); Likely pathogenic (1). Last evaluated 2026-03-05.

Conditions:
MPDZ-related disorder. Also called: MPDZ-related condition.

Submissions (2):

PreventionGenetics, part of Exact Sciences
Classification: Likely pathogenic for MPDZ-related condition. Last evaluated: 2026-03-05. Review status: criteria provided, single submitter. Criteria: ACMG Guidelines, 2015. Collection method: clinical testing. Allele origin: germline.
Comment: The MPDZ c.5320_5327del8 variant is predicted to result in a frameshift and premature protein termination (p.Met1774Trpfs*6). To our knowledge, this variant has not been reported in the literature. This variant is reported in 0.0029% of alleles in individuals of Latino descent in gnomAD. Frameshift variants in MPDZ are expected to be pathogenic. This variant is interpreted as likely pathogenic.

Labcorp Genetics (formerly Invitae), Labcorp
Classification: Pathogenic. Last evaluated: 2022-11-08. Review status: criteria provided, single submitter. Criteria: Invitae Variant Classification Sherloc (09022015). Collection method: clinical testing. Allele origin: germline.
Comment: This sequence change creates a premature translational stop signal (p.Met1774Trpfs*6) in the MPDZ gene. It is expected to result in an absent or disrupted protein product. Loss-of-function variants in MPDZ are known to be pathogenic (PMID: 23240096, 28556411). This variant is present in population databases (rs777677997, gnomAD 0.003%). This variant has not been reported in the literature in individuals affected with MPDZ-related conditions. For these reasons, this variant has been classified as Pathogenic.

Literature cited by the submitters: PubMed 23240096 (cited by Labcorp Genetics (formerly Invitae), Labcorp); PubMed 28556411 (cited by Labcorp Genetics (formerly Invitae), Labcorp).

NM_001378778.1(MPDZ):c.5320_5327del (p.Met1774fs)

Gene: MPDZ (multiple PDZ domain crumbs cell polarity complex component; minus strand). Cytogenetic location: 9p23.
Variant type: Deletion.
Coding change: c.5320_5327del on transcript NM_001378778.1 (MANE Select); coding-DNA positions 5320 to 5327, 8 bases deleted (ATGGTGAA; older notation c.5320_5327delATGGTGAA).
Protein change: p.Met1774fs; shifts the reading frame from methionine 1774.
Molecular consequence: frameshift variant.
Genome position (GRCh38, 1-based): chr9:13,119,554-13,119,561, TTCACCAT deleted on the plus strand (ATGGTGAA on the coding strand, the reverse complement: MPDZ is on the minus strand); deleting any 8 consecutive bases within chr9:13,119,554-13,119,562 gives the same sequence; the c. name uses the placement nearest the transcript's 3' end. VCF-style (leftmost placement, unchanged base first): chr9-13119553-ATTCACCAT-A. GRCh37 (hg19) VCF-style: chr9-13119552-ATTCACCAT-A.
Other names: c.5320_5327del8 (NM_003829.4); c.5110_5117del, p.Met1704fs (NM_001375425.1, NM_001375426.1, NM_001375420.1 and 4 more transcripts); c.4912_4919del, p.Met1638fs (NM_001375427.1); c.5320_5327del, p.Met1774fs (NM_003829.5, NM_001330637.2); c.5221_5228del, p.Met1741fs (NM_001261406.2, NM_001261407.2, NM_001375416.1 and 3 more transcripts); c.5419_5426del, p.Met1807fs (NM_001375413.1); short protein forms M1741fs, M1774fs, M1704fs, M1807fs, M1638fs.
Identifiers: ClinVar variation 2000707 (VCV002000707.5), dbSNP rs777677997, ClinGen allele CA4986351.